The following is an entry in ClinVar:

NM_001039591.3(USP9X):c.3958C>A (p.Leu1320Ile)

Gene: USP9X (ubiquitin specific peptidase 9 X-linked; plus strand). Cytogenetic location: Xp11.4.
Variant type: single nucleotide variant.
Coding change: c.3958C>A on transcript NM_001039591.3 (MANE Select); coding-DNA position 3958, C replaced by A.
Protein change: p.Leu1320Ile; replaces leucine 1320 with isoleucine.
Molecular consequence: missense variant.
Genome position (GRCh38, 1-based): chrX:41,189,456, C>A. VCF-style: chrX-41189456-C-A. GRCh37 (hg19) VCF-style: chrX-41048709-C-A.
Other names: c.3958C>A, p.Leu1320Ile (NM_001039590.3); c.3973C>A, p.Leu1325Ile (NM_001410748.1, NM_001410749.1); short protein forms L1320I, L1325I.
Identifiers: ClinVar variation 2696286 (VCV002696286.25), dbSNP rs751319566, ClinGen allele CA412769117.

ClinVar aggregate classification (germline): Uncertain significance. Review status: criteria provided, multiple submitters, no conflicts (2 of 4 stars). 2 submissions from 2 submitters: Uncertain significance (2). Last evaluated 2025-12-24.

gnomAD v4.1: 1 of 1,204,042 alleles (0.000083%); no homozygotes.

Submissions (2):

Labcorp Genetics (formerly Invitae), Labcorp
Classification: Uncertain significance. Last evaluated: 2025-12-24. Review status: criteria provided, single submitter. Criteria: Invitae Variant Classification Sherloc (09022015). Collection method: clinical testing. Allele origin: germline.
Comment: This sequence change replaces leucine, which is neutral and non-polar, with isoleucine, which is neutral and non-polar, at codon 1320 of the USP9X protein (p.Leu1320Ile). This variant is not present in population databases (gnomAD no frequency). This variant has not been reported in the literature in individuals affected with USP9X-related conditions. ClinVar contains an entry for this variant (Variation ID: 2696286). An algorithm developed to predict the effect of missense changes on protein structure and function (PolyPhen-2) suggests that this variant is likely to be tolerated. In summary, the available evidence is currently insufficient to determine the role of this variant in disease. Therefore, it has been classified as a Variant of Uncertain Significance.

CeGaT Center for Human Genetics Tuebingen
Classification: Uncertain significance. Last evaluated: 2024-02-01. Review status: criteria provided, single submitter. Criteria: CeGaT Center For Human Genetics Tuebingen Variant Classification Criteria Version 2. Collection method: clinical testing. Allele origin: germline. Affected: yes. Observed: 1 variant allele.
Comment: USP9X: PM2